The following is an entry in ClinVar:

ClinVar aggregate classification (germline): Uncertain significance (1 of 4 stars; one submission).

Allele frequency attached by ClinVar (database versions not stated): gnomAD exomes below 0.00001.
gnomAD v4.1: 1 of 1,601,942 alleles (0.000062%); highest among the groups gnomAD compares: Non-Finnish European, 0.000085%; no homozygotes.

Submission:

Labcorp Genetics (formerly Invitae), Labcorp
Classification: Uncertain significance. Last evaluated: 2022-09-27. Review status: criteria provided, single submitter. Criteria: Invitae Variant Classification Sherloc (09022015). Collection method: clinical testing. Allele origin: germline.
Comment: In summary, the available evidence is currently insufficient to determine the role of this variant in disease. Therefore, it has been classified as a Variant of Uncertain Significance. Advanced modeling of protein sequence and biophysical properties (such as structural, functional, and spatial information, amino acid conservation, physicochemical variation, residue mobility, and thermodynamic stability) performed at Invitae indicates that this missense variant is expected to disrupt POC1B protein function. This missense change has been observed in individual(s) with cone rod dystrophy (Invitae). In at least one individual the data is consistent with being in trans (on the opposite chromosome) from a pathogenic variant. This variant is not present in population databases (gnomAD no frequency). This sequence change replaces serine, which is neutral and polar, with isoleucine, which is neutral and non-polar, at codon 107 of the POC1B protein (p.Ser107Ile).

NM_172240.3(POC1B):c.320G>T (p.Ser107Ile)

Genes: POC1B (POC1 centriolar protein B; minus strand), POC1B-DUSP6 (POC1B-DUSP6 readthrough; minus strand). Cytogenetic location: 12q21.33.
Variant type: single nucleotide variant.
Coding change: c.320G>T on transcript NM_172240.3 (MANE Select); coding-DNA position 320, G replaced by T.
Protein change: p.Ser107Ile; replaces serine 107 with isoleucine.
Molecular consequence: missense variant. On other transcripts: non-coding transcript variant (2).
Genome position (GRCh38, 1-based): chr12:89,492,068, C>A on the plus strand (G>T on the coding strand, the complement: POC1B is on the minus strand). VCF-style: chr12-89492068-C-A. GRCh37 (hg19) VCF-style: chr12-89885845-C-A.
Other names: c.194G>T, p.Ser65Ile (NM_001199777.2); short protein forms S65I, S107I.
Identifiers: ClinVar variation 2109466 (VCV002109466.4), dbSNP rs2540477908, ClinGen allele CA385991896.